The following is an entry in ClinVar:

NM_000435.3(NOTCH3):c.3353A>T (p.Asn1118Ile)

Gene: NOTCH3 (notch receptor 3; minus strand). Cytogenetic location: 19p13.12.
Variant type: single nucleotide variant.
Coding change: c.3353A>T on transcript NM_000435.3 (MANE Select); coding-DNA position 3353, A replaced by T.
Protein change: p.Asn1118Ile; replaces asparagine 1118 with isoleucine.
Molecular consequence: missense variant.
Genome position (GRCh38, 1-based): chr19:15,179,471, T>A on the plus strand (A>T on the coding strand, the complement: NOTCH3 is on the minus strand). VCF-style: chr19-15179471-T-A. GRCh37 (hg19) VCF-style: chr19-15290282-T-A.
Other names: short protein forms N1118I.
Identifiers: ClinVar variation 2206319 (VCV002206319.33), dbSNP rs755229930, ClinGen allele CA305769596.
Genomic context (GRCh38, chr19:15,179,471, plus strand): 5'-ATGCATGAACCCCCGTGCTGGCAGGGCTGGGAGGCACACTCGTCCACGTCGTCCTCACAG[T>A]TATCACCATTGTAGCCAGGAAGACACTTCAGTGGGGTAAGAGAGGGACCCACTCAGCTTA-3'
Protein context (NP_000426.2, residues 1108-1128): CECLPGYNGD[Asn1118Ile]CEDDVDECAS

ClinVar aggregate classification (germline): Uncertain significance. Review status: criteria provided, multiple submitters, no conflicts (2 of 4 stars). 6 submissions from 6 submitters: Uncertain significance (6). Last evaluated 2025-09-01.

Conditions:
Inborn genetic diseases. Identifiers: MedGen C0950123, MeSH D030342.

Allele frequency attached by ClinVar (database versions not stated): gnomAD exomes below 0.00001; gnomAD 0.00006; TOPMed 0.00020.
gnomAD v4.1: 21 of 1,613,918 alleles (0.0013%); highest among the groups gnomAD compares: Admixed American, 0.018%; no homozygotes.

Submissions (6):

Labcorp Genetics (formerly Invitae), Labcorp
Classification: Uncertain significance. Last evaluated: 2025-09-01. Review status: criteria provided, single submitter. Criteria: Invitae Variant Classification Sherloc (09022015). Collection method: clinical testing. Allele origin: germline.
Comment: This sequence change replaces asparagine, which is neutral and polar, with isoleucine, which is neutral and non-polar, at codon 1118 of the NOTCH3 protein (p.Asn1118Ile). This variant is present in population databases (no rsID available, gnomAD 0.006%). This variant has not been reported in the literature in individuals affected with NOTCH3-related conditions. ClinVar contains an entry for this variant (Variation ID: 2206319). Invitae Evidence Modeling of protein sequence and biophysical properties (such as structural, functional, and spatial information, amino acid conservation, physicochemical variation, residue mobility, and thermodynamic stability) indicates that this missense variant is not expected to disrupt NOTCH3 protein function with a negative predictive value of 95%. In summary, the available evidence is currently insufficient to determine the role of this variant in disease. Therefore, it has been classified as a Variant of Uncertain Significance.

CeGaT Center for Human Genetics Tuebingen
Classification: Uncertain significance. Last evaluated: 2024-12-01. Review status: criteria provided, single submitter. Criteria: CeGaT Center For Human Genetics Tuebingen Variant Classification Criteria Version 2. Collection method: clinical testing. Allele origin: germline. Affected: yes. Observed: 2 variant alleles.
Comment: NOTCH3: PP2

Women's Health and Genetics/Laboratory Corporation of America, LabCorp
Classification: Uncertain significance. Last evaluated: 2024-11-04. Review status: criteria provided, single submitter. Criteria: LabCorp Variant Classification Summary - May 2015. Collection method: clinical testing. Allele origin: germline.
Comment: Variant summary: NOTCH3 c.3353A>T (p.Asn1118Ile) results in a non-conservative amino acid change located in the EGF-like domain (InterPro) of the encoded protein sequence. Five of five in-silico tools predict a damaging effect of the variant on protein function. The variant allele was found at a frequency of 4e-06 in 251268 control chromosomes (gnomAD). The available data on variant occurrences in the general population are insufficient to allow any conclusion about variant significance. To our knowledge, no occurrence of c.3353A>T in individuals affected with Cerebral arteriopathy, autosomal dominant, with subcortical infarcts and leukoencephalopathy, type 1 and no experimental evidence demonstrating its impact on protein function have been reported. ClinVar contains an entry for this variant (Variation ID: 2206319). Based on the evidence outlined above, the variant was classified as uncertain significance.

Athena Diagnostics
Classification: Uncertain significance. Last evaluated: 2024-07-01. Review status: criteria provided, single submitter. Criteria: Athena Diagnostics Criteria. Collection method: clinical testing. Allele origin: unknown.
Comment: Available data are insufficient to determine the clinical significance of the variant at this time. The frequency of this variant in the general population is uninformative in assessment of its pathogenicity. Computational tools yielded inconclusive predictions regarding the effect of this variant on RNA splicing. Polyphen and MutationTaster yielded discordant predictions regarding whether this amino acid change is damaging to the protein. Greater than 90% of NOTCH3 pathogenic variants associated with CADASIL involve the gain or loss of a cysteine residue within the epidermal growth factor (EGF)-like repeat domain (PMID: 32457593, 20301673).

Blueprint Genetics
Classification: Uncertain significance. Last evaluated: 2024-03-26. Review status: criteria provided, single submitter. Criteria: ACMG Guidelines, 2015. Collection method: clinical testing. Allele origin: germline.

Ambry Genetics
Classification: Uncertain significance for Inborn genetic diseases. Last evaluated: 2022-07-14. Review status: criteria provided, single submitter. Criteria: Ambry Variant Classification Scheme 2023. Collection method: clinical testing. Allele origin: germline.